The following is an entry in ClinVar:

ClinVar aggregate classification (germline): Uncertain significance (1 of 4 stars; one submission).

Allele frequency attached by ClinVar (database versions not stated): gnomAD exomes 0.00001.
gnomAD v4.1: 16 of 1,614,072 alleles (0.00099%); highest among the groups gnomAD compares: Non-Finnish European, 0.0014%; no homozygotes.

Submission:

Ambry Genetics
Classification: Uncertain significance. Last evaluated: 2023-06-11. Review status: criteria provided, single submitter. Criteria: Ambry Variant Classification Scheme 2023. Collection method: clinical testing. Allele origin: germline.
Comment: The p.I1268M variant (also known as c.3804T>G), located in coding exon 4 of the ALPK2 gene, results from a T to G substitution at nucleotide position 3804. The isoleucine at codon 1268 is replaced by methionine, an amino acid with highly similar properties. This amino acid position is conserved. In addition, this alteration is predicted to be tolerated by in silico analysis. Since supporting evidence is limited at this time, the clinical significance of this alteration remains unclear.

NM_052947.4(ALPK2):c.3804T>G (p.Ile1268Met)

Genes: ALPK2 (alpha kinase 2; minus strand), LOC126862764 (BRD4-independent group 4 enhancer GRCh37_chr18:56202574-56203773; plus strand). Cytogenetic location: 18q21.31.
Variant type: single nucleotide variant.
Coding change: c.3804T>G on transcript NM_052947.4 (MANE Select); coding-DNA position 3804, T replaced by G.
Protein change: p.Ile1268Met; replaces isoleucine 1268 with methionine.
Molecular consequence: missense variant.
Genome position (GRCh38, 1-based): chr18:58,536,383, A>C on the plus strand (T>G on the coding strand, the complement: ALPK2 is on the minus strand). VCF-style: chr18-58536383-A-C. GRCh37 (hg19) VCF-style: chr18-56203615-A-C.
Other names: short protein forms I1268M.
Identifiers: ClinVar variation 2564126 (VCV002564126.2), dbSNP rs2518875910, ClinGen allele CA402565552.
Genomic context (GRCh38, chr18:58,536,383, plus strand): 5'-CAATTCAGGCACAACAGCATCTGCCTTTAGACTATCAGGTACAGCCCAGACCTTGTCAGG[A>C]ATTATGAGACCACCGTCTGATGCCTTGCTCTCAGAATTTGTCAGTTGTCGTGGTGGCCAG-3'
Protein context (NP_443179.3, residues 1258-1278): ESKASDGGLI[Ile1268Met]PDKVWAVPDS